The following is an entry in ClinVar:

NM_000071.3(CBS):c.616G>A (p.Val206Met)

Gene: CBS (cystathionine beta-synthase; minus strand). Cytogenetic location: 21q22.3.
Variant type: single nucleotide variant.
Coding change: c.616G>A on transcript NM_000071.3 (MANE Select); coding-DNA position 616, G replaced by A.
Protein change: p.Val206Met; replaces valine 206 with methionine.
Molecular consequence: missense variant.
Genome position (GRCh38, 1-based): chr21:43,065,437, C>T on the plus strand (G>A on the coding strand, the complement: CBS is on the minus strand). VCF-style: chr21-43065437-C-T. GRCh37 (hg19) VCF-style: chr21-44485547-C-T.
Other names: p.V206M:GTG>ATG; c.616G>A, p.Val206Met (NM_001178008.3, NM_001178009.3, NM_001320298.2); c.301G>A, p.Val101Met (NM_001321072.1); short protein forms V206M, V101M.
Identifiers: ClinVar variation 212849 (VCV000212849.13), dbSNP rs369220569, ClinGen allele CA324707.

ClinVar aggregate classification (germline): Uncertain significance. Review status: criteria provided, multiple submitters, no conflicts (2 of 4 stars). 5 submissions from 5 submitters: Uncertain significance (4). 1 of the submissions does not count toward it. Last evaluated 2025-07-29.

Conditions:
Familial thoracic aortic aneurysm and aortic dissection (TAAD). Also called: Thoracic aortic aneurysms and dissections. Identifiers: Orphanet 91387, MedGen C4707243, MONDO:0019625.
Classic homocystinuria. Also called: Homocystinuria due to Cystathionine Beta-Synthase Deficiency; Homocystinuria due to CBS deficiency; Cystathionine beta-synthase deficiency; CBS deficiency; HOMOCYSTINURIA WITH OR WITHOUT RESPONSE TO PYRIDOXINE. Identifiers: Orphanet 394, MedGen C0751202, MONDO:0009352, OMIM 236200.
HYPERHOMOCYSTEINEMIA, THROMBOTIC, CBS-RELATED. Identifiers: MedGen C3150344, OMIM 236200.

Allele frequency attached by ClinVar (database versions not stated): ExAC 0.00002; gnomAD exomes 0.00002; gnomAD 0.00003; TOPMed 0.00003; ESP Exome Variant Server 0.00008.

Submissions (5):

Ambry Genetics
Classification: Uncertain significance for Familial thoracic aortic aneurysm and aortic dissection. Last evaluated: 2025-07-29. Review status: criteria provided, single submitter. Criteria: Ambry Variant Classification Scheme 2023. Collection method: clinical testing. Allele origin: germline.
Comment: The p.V206M variant (also known as c.616G>A), located in coding exon 5 of the CBS gene, results from a G to A substitution at nucleotide position 616. The valine at codon 206 is replaced by methionine, an amino acid with highly similar properties. This amino acid position is conserved. In addition, this alteration is predicted to be deleterious by in silico analysis. Since supporting evidence is limited at this time, the clinical significance of this alteration remains unclear.

Blueprint Genetics
Classification: Uncertain significance. Last evaluated: 2022-07-04. Review status: criteria provided, single submitter. Criteria: ACMG Guidelines, 2015. Collection method: clinical testing. Allele origin: germline.

Labcorp Genetics (formerly Invitae), Labcorp
Classification: Uncertain significance for HYPERHOMOCYSTEINEMIA, THROMBOTIC, CBS-RELATED. Last evaluated: 2021-08-28. Review status: criteria provided, single submitter. Criteria: Invitae Variant Classification Sherloc (09022015). Collection method: clinical testing. Allele origin: germline.
Comment: This sequence change replaces valine with methionine at codon 206 of the CBS protein (p.Val206Met). The valine residue is moderately conserved and there is a small physicochemical difference between valine and methionine. This variant is present in population databases (rs369220569, ExAC 0.003%). This variant has not been reported in the literature in individuals affected with CBS-related conditions. ClinVar contains an entry for this variant (Variation ID: 212849). Algorithms developed to predict the effect of missense changes on protein structure and function are either unavailable or do not agree on the potential impact of this missense change (SIFT: "Tolerated"; PolyPhen-2: "Possibly Damaging"; Align-GVGD: "Class C0"). In summary, the available evidence is currently insufficient to determine the role of this variant in disease. Therefore, it has been classified as a Variant of Uncertain Significance.

GeneDx
Classification: Uncertain significance. Last evaluated: 2016-03-07. Review status: criteria provided, single submitter. Criteria: GeneDx Variant Classification (06012015). Collection method: clinical testing. Allele origin: germline. Affected: yes.
Comment: The V206M variant of uncertain significance in the CBS gene has not been published as a pathogenic variant or been reported as a benign variant to our knowledge. The V206M variant was not observed with any significant frequency in approximately 6,500 individuals of European and African American ancestry in the NHLBI Exome Sequencing Project. Although the V206M variant occurs at a position that is conserved across species, it is a conservative amino acid substitution, which is not likely to impact secondary protein structure as these residues share similar properties. Furthermore, in silico analysis predicts this variant is probably damaging to the protein structure/function. Nevertheless, no missense variants in nearby residues have been reported in the Human Gene Mutation Database in association with homocystinuria. Therefore, based on the currently available information, it is unclear whether this variant is pathogenic or rare benign.

Natera, Inc.
Classification: Uncertain significance for Homocystinuria due to cystathionine beta-synthase deficiency. Last evaluated: 2020-03-16. Review status: no assertion criteria provided. Collection method: clinical testing. Allele origin: germline. Not counted in ClinVar's aggregate classification.